The following is an entry in ClinVar:

NM_017654.4(SAMD9):c.2941G>C (p.Val981Leu)

Gene: SAMD9 (sterile alpha motif domain containing 9; minus strand). Cytogenetic location: 7q21.2.
Variant type: single nucleotide variant.
Coding change: c.2941G>C on transcript NM_017654.4 (MANE Select); coding-DNA position 2941, G replaced by C.
Protein change: p.Val981Leu; replaces valine 981 with leucine.
Molecular consequence: missense variant.
Genome position (GRCh38, 1-based): chr7:93,103,157, C>G on the plus strand (G>C on the coding strand, the complement: SAMD9 is on the minus strand). VCF-style: chr7-93103157-C-G. GRCh37 (hg19) VCF-style: chr7-92732470-C-G.
Other names: c.2941G>C, p.Val981Leu (NM_001193307.2); short protein forms V981L.
Identifiers: ClinVar variation 3791967 (VCV003791967.1).

ClinVar aggregate classification (germline): Uncertain significance (1 of 4 stars; one submission).

Conditions:
Inborn genetic diseases. Identifiers: MedGen C0950123, MeSH D030342.

Submission:

Ambry Genetics
Classification: Uncertain significance for Inborn genetic diseases. Last evaluated: 2025-01-03. Review status: criteria provided, single submitter. Criteria: Ambry Variant Classification Scheme 2023. Collection method: clinical testing. Allele origin: germline.
Comment: The p.V981L variant (also known as c.2941G>C), located in coding exon 1 of the SAMD9 gene, results from a G to C substitution at nucleotide position 2941. The valine at codon 981 is replaced by leucine, an amino acid with highly similar properties. This amino acid position is conserved. In addition, this alteration is predicted to be tolerated by in silico analysis. Based on the available evidence, the clinical significance of this variant remains unclear.